The following is an entry in ClinVar:

NM_001167.4(XIAP):c.566T>C (p.Leu189Pro)

Gene: XIAP (X-linked inhibitor of apoptosis; plus strand). Cytogenetic location: Xq25.
Variant type: single nucleotide variant.
Coding change: c.566T>C on transcript NM_001167.4 (MANE Select); coding-DNA position 566, T replaced by C.
Protein change: p.Leu189Pro; replaces leucine 189 with proline.
Molecular consequence: missense variant.
Genome position (GRCh38, 1-based): chrX:123,886,228, T>C. VCF-style: chrX-123886228-T-C. GRCh37 (hg19) VCF-style: chrX-123020078-T-C.
Other names: c.566T>C, p.Leu189Pro (NM_001204401.2, NM_001378590.1, NM_001378591.1 and 1 more transcripts); short protein forms L189P.
Identifiers: ClinVar variation 624588 (VCV000624588.2), dbSNP rs1569477871, ClinGen allele CA414123960.

ClinVar aggregate classification (germline): Pathogenic (0 of 4 stars; one submission).

Conditions:
X-linked lymphoproliferative disease due to XIAP deficiency. Also called: XIAP-Related Lymphoproliferative Disease, X-Linked; XIAP DEFICIENCY. Identifiers: Orphanet 2442, Orphanet 538934, MedGen C1845076, MONDO:0010385, OMIM 300635.

Submission:

Laboratory of Pediatric Immunoinfectivology, Tor Vergata University
Classification: Pathogenic for X-linked lymphoproliferative disease due to XIAP deficiency. Last evaluated: 2019-02-28. Review status: no assertion criteria provided. Collection method: clinical testing. Allele origin: germline. Affected: yes.
Comment: VEO-IBD (Very Early Onset Inflammatory Bowel disease) T+, B- (increased CD8 EM and EMRA), NK+

Literature cited by the submitters: PubMed 29312354; DOI 10.3389/fimmu.2019.00316.